The following is an entry in ClinVar:

NM_003159.2(CDKL5):c.145+4_145+5AT(11_13)

Gene: CDKL5 (cyclin dependent kinase like 5; plus strand). Cytogenetic location: Xp22.13.
Variant type: Microsatellite.
Coding change: c.145+4_145+5AT(11_13) on transcript NM_003159.2.
Identifiers: ClinVar variation 156075 (VCV000156075.1).

ClinVar aggregate classification (germline): Benign. Review status: no assertion criteria provided (0 of 4 stars). 2 submissions from 1 submitter: Benign (1). 1 of the submissions does not count toward it. Last evaluated 2014-03-13.

Submissions (2):

RettBASE
Classification: Benign. Last evaluated: 2014-03-13. Review status: no assertion criteria provided. Collection method: curation. Allele origin: unknown. Observed: 4 variant alleles.
Comment: Uncertain number of repeats of [AT] region

RettBASE
No classification provided. Review status: flagged submission. Collection method: not provided. Allele origin: not provided. Not counted in ClinVar's aggregate classification.
ClinVar note: Reason: This record appears to be redundant with a more recent record from the same submitter.
ClinVar note: Notes: SCV000189199 appears to be redundant with SCV000222253.

Literature cited by the submitters: PubMed 19241098.